The following is an entry in ClinVar:

NM_000143.4(FH):c.973A>G (p.Ser325Gly)

Gene: FH (fumarate hydratase; minus strand). Cytogenetic location: 1q43.
Variant type: single nucleotide variant.
Coding change: c.973A>G on transcript NM_000143.4 (MANE Select); coding-DNA position 973, A replaced by G.
Protein change: p.Ser325Gly; replaces serine 325 with glycine.
Molecular consequence: missense variant.
Genome position (GRCh38, 1-based): chr1:241,504,177, T>C on the plus strand (A>G on the coding strand, the complement: FH is on the minus strand). VCF-style: chr1-241504177-T-C. GRCh37 (hg19) VCF-style: chr1-241667477-T-C.
Other names: short protein forms S325G.
Identifiers: ClinVar variation 1768037 (VCV001768037.8), dbSNP rs201124581, ClinGen allele CA40327913.

ClinVar aggregate classification (germline): Uncertain significance. Review status: criteria provided, multiple submitters, no conflicts (2 of 4 stars). 2 submissions from 2 submitters: Uncertain significance (2). Last evaluated 2025-10-01.

Conditions:
Hereditary cancer-predisposing syndrome. Also called: Hereditary Cancer Syndrome; Hereditary neoplastic syndrome; Neoplastic Syndromes, Hereditary; Tumor predisposition. Identifiers: Orphanet 140162, MedGen C0027672, MeSH D009386, MONDO:0015356.

Allele frequency attached by ClinVar (database versions not stated): gnomAD exomes below 0.00001.

Submissions (2):

Ambry Genetics
Classification: Uncertain significance for Hereditary cancer-predisposing syndrome. Last evaluated: 2025-10-01. Review status: criteria provided, single submitter. Criteria: Ambry Variant Classification Scheme 2023. Collection method: clinical testing. Allele origin: germline.
Comment: The p.S325G variant (also known as c.973A>G), located in coding exon 7 of the FH gene, results from an A to G substitution at nucleotide position 973. The serine at codon 325 is replaced by glycine, an amino acid with similar properties. This amino acid position is highly conserved in available vertebrate species. In addition, this alteration is predicted to be deleterious by in silico analysis. Since supporting evidence is limited at this time, the clinical significance of this alteration remains unclear.

Labcorp Genetics (formerly Invitae), Labcorp
Classification: Uncertain significance. Last evaluated: 2021-12-09. Review status: criteria provided, single submitter. Criteria: Invitae Variant Classification Sherloc (09022015). Collection method: clinical testing. Allele origin: germline.
Comment: This sequence change replaces serine, which is neutral and polar, with glycine, which is neutral and non-polar, at codon 325 of the FH protein (p.Ser325Gly). This variant is not present in population databases (gnomAD no frequency). This variant has not been reported in the literature in individuals affected with FH-related conditions. Advanced modeling of protein sequence and biophysical properties (such as structural, functional, and spatial information, amino acid conservation, physicochemical variation, residue mobility, and thermodynamic stability) performed at Invitae indicates that this missense variant is expected to disrupt FH protein function. In summary, the available evidence is currently insufficient to determine the role of this variant in disease. Therefore, it has been classified as a Variant of Uncertain Significance.